The following is an entry in ClinVar:

ClinVar aggregate classification (germline): Pathogenic. Review status: criteria provided, multiple submitters, no conflicts (2 of 4 stars). 8 submissions from 8 submitters: Pathogenic (6). 2 of the submissions do not count toward it. Last evaluated 2025-11-14.

Conditions:
Fanconi anemia complementation group C (FANCC). Also called: FANCONI PANCYTOPENIA, TYPE 3; FACC; Fanconi anemia, group C; FANCC-Related Fanconi Anemia. Identifiers: Orphanet 84, MedGen C3468041, MONDO:0009213, OMIM 227645.
Hereditary cancer-predisposing syndrome. Also called: Hereditary neoplastic syndrome; Neoplastic Syndromes, Hereditary; Tumor predisposition; Hereditary Cancer Syndrome. Identifiers: Orphanet 140162, MedGen C0027672, MeSH D009386, MONDO:0015356.
Fanconi anemia (FA). Also called: Fanconi's anemia. Identifiers: Orphanet 84, MedGen C0015625, MeSH D005199, MONDO:0019391.

Allele frequency attached by ClinVar (database versions not stated): gnomAD exomes below 0.00001; TOPMed below 0.00001; gnomAD 0.00001.
gnomAD v4.1: 5 of 1,614,056 alleles (0.00031%); highest among the groups gnomAD compares: Non-Finnish European, 0.00042%; no homozygotes.

Submissions (8):

Labcorp Genetics (formerly Invitae), Labcorp
Classification: Pathogenic for Fanconi anemia. Last evaluated: 2025-11-14. Review status: criteria provided, single submitter. Criteria: Invitae Variant Classification Sherloc (09022015). Collection method: clinical testing. Allele origin: germline.
Comment: This sequence change creates a premature translational stop signal (p.Gln473*) in the FANCC gene. It is expected to result in an absent or disrupted protein product. Loss-of-function variants in FANCC are known to be pathogenic (PMID: 17924555). This variant is present in population databases (no rsID available, gnomAD 0.007%). This variant has not been reported in the literature in individuals affected with FANCC-related conditions. ClinVar contains an entry for this variant (Variation ID: 551836). For these reasons, this variant has been classified as Pathogenic.

GeneDx
Classification: Pathogenic. Last evaluated: 2024-02-27. Review status: criteria provided, single submitter. Criteria: GeneDx Variant Classification Process June 2021. Collection method: clinical testing. Allele origin: germline. Affected: yes.
Comment: Observed in individuals with breast cancer tested at GeneDx and in published literature (PMID: 32427313); Nonsense variant predicted to result in protein truncation or nonsense mediated decay in a gene for which loss of function is a known mechanism of disease; Not observed at significant frequency in large population cohorts (gnomAD); This variant is associated with the following publications: (PMID: 17924555, 32427313)

Baylor Genetics
Classification: Pathogenic for Fanconi anemia complementation group C. Last evaluated: 2023-01-20. Review status: criteria provided, single submitter. Criteria: ACMG Guidelines, 2015. Collection method: clinical testing. Allele origin: unknown.

Fulgent Genetics
Classification: Pathogenic for Fanconi anemia complementation group C. Last evaluated: 2022-05-03. Review status: criteria provided, single submitter. Criteria: ACMG Guidelines, 2015. Collection method: clinical testing. Allele origin: unknown.

Ambry Genetics
Classification: Pathogenic for Hereditary cancer-predisposing syndrome. Last evaluated: 2020-12-03. Review status: criteria provided, single submitter. Criteria: Ambry Variant Classification Scheme 2023. Collection method: clinical testing. Allele origin: germline.
Comment: The p.Q473* pathogenic mutation (also known as c.1417C>T), located in coding exon 13 of the FANCC gene, results from a C to T substitution at nucleotide position 1417. This changes the amino acid from a glutamine to a stop codon within coding exon 13. This alteration is expected to result in loss of function by premature protein truncation or nonsense-mediated mRNA decay. As such, this alteration is interpreted as a disease-causing mutation.

Revvity Omics, Revvity
Classification: Pathogenic for Fanconi anemia complementation group C. Last evaluated: 2019-03-24. Review status: criteria provided, single submitter. Criteria: ACMG Guidelines, 2015. Collection method: clinical testing. Allele origin: germline.

Leiden Open Variation Database
Classification: Pathogenic for Fanconi anemia complementation group C. Last evaluated: 2020-02-28. Review status: no assertion criteria provided. Collection method: curation. Allele origin: germline. Affected: yes. Not counted in ClinVar's aggregate classification.
Comment: Curator: Arleen D. Auerbach. Submitter to LOVD: Arleen D. Auerbach.

Counsyl
Classification: Likely pathogenic for Fanconi anemia complementation group C. Last evaluated: 2017-05-09. Review status: no assertion criteria provided. Collection method: clinical testing. Allele origin: unknown. Not counted in ClinVar's aggregate classification.

Literature cited by the submitters: PubMed 17924555 (cited by Labcorp Genetics (formerly Invitae), Labcorp).

NM_000136.3(FANCC):c.1417C>T (p.Gln473Ter)

Genes: AOPEP (aminopeptidase O (putative); plus strand), FANCC (FA complementation group C; minus strand). Cytogenetic location: 9q22.32.
Variant type: single nucleotide variant.
Coding change: c.1417C>T on transcript NM_000136.3 (MANE Select); coding-DNA position 1417, C replaced by T.
Protein change: p.Gln473Ter; replaces glutamine 473 with a stop codon.
Molecular consequence: nonsense.
Genome position (GRCh38, 1-based): chr9:95,107,182, G>A on the plus strand (C>T on the coding strand, the complement: FANCC is on the minus strand). VCF-style: chr9-95107182-G-A. GRCh37 (hg19) VCF-style: chr9-97869464-G-A.
Other names: c.1417C>T, p.Gln473Ter (NM_001243743.2); short protein forms Q473*.
Identifiers: ClinVar variation 551836 (VCV000551836.18), dbSNP rs1410356625, ClinGen allele CA374106036.